The following is an entry in ClinVar:

ClinVar aggregate classification (germline): Uncertain significance. Review status: criteria provided, multiple submitters, no conflicts (2 of 4 stars). 3 submissions from 3 submitters: Uncertain significance (3). Last evaluated 2024-02-05.

Conditions:
Wilson disease (WND). Also called: Wilson's disease. Identifiers: Orphanet 905, MedGen C0019202, MONDO:0010200, OMIM 277900. Disease mechanism: loss of function.

Allele frequency attached by ClinVar (database versions not stated): gnomAD 0.00001; gnomAD exomes 0.00001 and 0.00002; ExAC 0.00002.
gnomAD v4.1: 12 of 1,614,006 alleles (0.00074%); highest among the groups gnomAD compares: Non-Finnish European, 0.00093%; no homozygotes.

Submissions (3):

All of Us Research Program, National Institutes of Health
Classification: Uncertain significance for Wilson disease. Last evaluated: 2024-02-05. Review status: criteria provided, single submitter. Criteria: ACMG Guidelines, 2015. Collection method: clinical testing. Allele origin: germline. Inheritance: Autosomal recessive inheritance. Observed: 1 variant allele, 1 heterozygote.
Comment: This missense variant replaces alanine with valine at codon 314 of the ATP7B protein. Computational prediction is inconclusive regarding the impact of this variant on protein structure and function (internally defined REVEL score threshold 0.5 < inconclusive < 0.7, PMID: 27666373). To our knowledge, functional studies have not been reported for this variant. This variant has not been reported in individuals affected with ATP7B-related disorders in the literature. This variant has been identified in 3/249294 chromosomes in the general population by the Genome Aggregation Database (gnomAD). The available evidence is insufficient to determine the role of this variant in disease conclusively. Therefore, this variant is classified as a Variant of Uncertain Significance.

This study involves interpretation of variants in research participants for the purpose of population health screening. Participant phenotype was not available at the time of variant classification. Additional details can be found in publication PMID: 35346344, PMCID: PMC8962531

Color Diagnostics, LLC DBA Color Health
Classification: Uncertain significance for Wilson disease. Last evaluated: 2024-01-25. Review status: criteria provided, single submitter. Criteria: ACMG Guidelines, 2015. Collection method: clinical testing. Allele origin: germline.
Comment: This missense variant replaces alanine with valine at codon 314 of the ATP7B protein. Computational prediction is inconclusive regarding the impact of this variant on protein structure and function. To our knowledge, functional studies have not been reported for this variant. This variant has not been reported in individuals affected with ATP7B-related disorders in the literature. This variant has been identified in 3/249294 chromosomes in the general population by the Genome Aggregation Database (gnomAD). The available evidence is insufficient to determine the role of this variant in disease conclusively. Therefore, this variant is classified as a Variant of Uncertain Significance.

CeGaT Center for Human Genetics Tuebingen
Classification: Uncertain significance. Last evaluated: 2019-06-01. Review status: criteria provided, single submitter. Criteria: CeGaT Center For Human Genetics Tuebingen Variant Classification Criteria Version 2. Collection method: clinical testing. Allele origin: germline. Affected: yes. Observed: 1 variant allele.

NM_000053.4(ATP7B):c.941C>T (p.Ala314Val)

Gene: ATP7B (ATPase copper transporting beta; minus strand). Cytogenetic location: 13q14.3.
Variant type: single nucleotide variant.
Coding change: c.941C>T on transcript NM_000053.4 (MANE Select); coding-DNA position 941, C replaced by T.
Protein change: p.Ala314Val; replaces alanine 314 with valine.
Molecular consequence: missense variant. On other transcripts: intron variant (1).
Genome position (GRCh38, 1-based): chr13:51,974,279, G>A on the plus strand (C>T on the coding strand, the complement: ATP7B is on the minus strand). VCF-style: chr13-51974279-G-A. GRCh37 (hg19) VCF-style: chr13-52548415-G-A.
Other names: c.941C>T, p.Ala314Val (NM_001005918.3, NM_001330578.2, NM_001330579.2); c.802+139C>T (NM_001243182.2); short protein forms A314V.
Identifiers: ClinVar variation 807942 (VCV000807942.44), dbSNP rs768949522, ClinGen allele CA6989472.